The following is an entry in ClinVar:

NM_006231.4(POLE):c.3358C>A (p.Gln1120Lys)

Gene: POLE (DNA polymerase epsilon, catalytic subunit; minus strand). Cytogenetic location: 12q24.33.
Variant type: single nucleotide variant.
Coding change: c.3358C>A on transcript NM_006231.4 (MANE Select); coding-DNA position 3358, C replaced by A.
Protein change: p.Gln1120Lys; replaces glutamine 1120 with lysine.
Molecular consequence: missense variant.
Genome position (GRCh38, 1-based): chr12:132,657,888, G>T on the plus strand (C>A on the coding strand, the complement: POLE is on the minus strand). VCF-style: chr12-132657888-G-T. GRCh37 (hg19) VCF-style: chr12-133234474-G-T.
Other names: short protein forms Q1120K.
Identifiers: ClinVar variation 4862310 (VCV004862310.1).

ClinVar aggregate classification (germline): Uncertain significance (1 of 4 stars; one submission).

Conditions:
Hereditary cancer-predisposing syndrome. Also called: Neoplastic Syndromes, Hereditary; Tumor predisposition; Hereditary Cancer Syndrome; Hereditary neoplastic syndrome. Identifiers: Orphanet 140162, MedGen C0027672, MeSH D009386, MONDO:0015356.

Submission:

Ambry Genetics
Classification: Uncertain significance for Hereditary cancer-predisposing syndrome. Last evaluated: 2026-05-11. Review status: criteria provided, single submitter. Criteria: Ambry Variant Classification Scheme 2023. Collection method: clinical testing. Allele origin: germline.
Comment: The p.Q1120K variant (also known as c.3358C>A), located in coding exon 27 of the POLE gene, results from a C to A substitution at nucleotide position 3358. The glutamine at codon 1120 is replaced by lysine, an amino acid with similar properties. This amino acid position is well conserved in available vertebrate species. In addition, this alteration is predicted to be tolerated by in silico analysis. Based on the available evidence, the clinical significance of this variant remains unclear.